The following is an entry in ClinVar:

NM_000138.4(FBN1):c.(?_4473)_(8280_?)del

Gene: FBN1 (fibrillin 1; minus strand). Cytogenetic location: 15q21.1.
Variant type: Deletion.
Coding change: c.(?_4473)_(8280_?)del on transcript NM_000138.4; a large deletion whose breakpoints are not mapped to the base.
Other names: c.(?_4473)_(8280_?)del (NM_000138.4, LRG_778t1).
Identifiers: ClinVar variation 163457 (VCV000163457.4).

ClinVar aggregate classification (germline): Pathogenic (1 of 4 stars; one submission).

Conditions:
Marfan syndrome (MFS). Also called: Marfan syndrome, classic; FBN1-Related Marfan Syndrome; Marfan syndrome type 1; Marfan's syndrome; MARFAN SYNDROME, TYPE I. Identifiers: Orphanet 284963, Orphanet 558, MedGen C0024796, MONDO:0007947, OMIM 154700.

Submission:

Laboratory for Molecular Medicine, Mass General Brigham Personalized Medicine
Classification: Pathogenic for Marfan syndrome. Last evaluated: 2011-09-07. Review status: criteria provided, single submitter. Criteria: LMM Criteria. Collection method: clinical testing. Allele origin: germline. Inheritance: Autosomal dominant inheritance. Observed: 1 variant allele.
Comment: The deletion of exons 36-65 has not been reported in the literature nor previous ly identified in our laboratory. However, other large deletions have been ident ified in individuals with Marfan syndrome (Human Gene Mutation Database (HGMD?), Baetens 2011, Matyas 2007, Liu 2001) demonstrating that haploinsufficency is a pathogenic mechanism in this disease. Because of this, it is highly likely that this variant is pathogenic.

Literature cited by the submitters: PubMed 21542060; PubMed 11710961; PubMed 17492313.